The following is an entry in ClinVar:

NM_001845.6(COL4A1):c.1100C>A (p.Pro367Gln)

Gene: COL4A1 (collagen type IV alpha 1 chain; minus strand). Cytogenetic location: 13q34.
Variant type: single nucleotide variant.
Coding change: c.1100C>A on transcript NM_001845.6 (MANE Select); coding-DNA position 1100, C replaced by A.
Protein change: p.Pro367Gln; replaces proline 367 with glutamine.
Molecular consequence: missense variant.
Genome position (GRCh38, 1-based): chr13:110,200,874, G>T on the plus strand (C>A on the coding strand, the complement: COL4A1 is on the minus strand). VCF-style: chr13-110200874-G-T. GRCh37 (hg19) VCF-style: chr13-110853221-G-T.
Other names: c.1100C>A, p.Pro367Gln (NM_001303110.2); short protein forms P367Q.
Identifiers: ClinVar variation 4746056 (VCV004746056.1).

ClinVar aggregate classification (germline): Uncertain significance (1 of 4 stars; one submission).

Submission:

Labcorp Genetics (formerly Invitae), Labcorp
Classification: Uncertain significance. Last evaluated: 2025-11-02. Review status: criteria provided, single submitter. Criteria: Invitae Variant Classification Sherloc (09022015). Collection method: clinical testing. Allele origin: germline.
Comment: This sequence change replaces proline, which is neutral and non-polar, with glutamine, which is neutral and polar, at codon 367 of the COL4A1 protein (p.Pro367Gln). This variant is not present in population databases (gnomAD no frequency). This variant has not been reported in the literature in individuals affected with COL4A1-related conditions. Invitae Evidence Modeling of protein sequence and biophysical properties (such as structural, functional, and spatial information, amino acid conservation, physicochemical variation, residue mobility, and thermodynamic stability) indicates that this missense variant is not expected to disrupt COL4A1 protein function with a negative predictive value of 95%. In summary, the available evidence is currently insufficient to determine the role of this variant in disease. Therefore, it has been classified as a Variant of Uncertain Significance.